The following is an entry in ClinVar:

NM_000264.5(PTCH1):c.4336T>A (p.Ser1446Thr)

Gene: PTCH1 (patched 1; minus strand). Cytogenetic location: 9q22.32.
Variant type: single nucleotide variant.
Coding change: c.4336T>A on transcript NM_000264.5 (MANE Select); coding-DNA position 4336, T replaced by A.
Protein change: p.Ser1446Thr; replaces serine 1446 with threonine.
Molecular consequence: missense variant. On other transcripts: non-coding transcript variant (1).
Genome position (GRCh38, 1-based): chr9:95,446,920, A>T on the plus strand (T>A on the coding strand, the complement: PTCH1 is on the minus strand). VCF-style: chr9-95446920-A-T. GRCh37 (hg19) VCF-style: chr9-98209202-A-T.
Other names: c.4138T>A, p.Ser1380Thr (NM_001083602.3); c.4333T>A, p.Ser1445Thr (NM_001083603.3); c.3883T>A, p.Ser1295Thr (NM_001083604.3, NM_001083605.3, NM_001083606.3 and 1 more transcripts); c.4180T>A, p.Ser1394Thr (NM_001354918.2); short protein forms S1295T, S1380T, S1394T, S1445T, S1446T.
Identifiers: ClinVar variation 3231051 (VCV003231051.1), dbSNP rs2537993804, ClinGen allele CA374109775.

ClinVar aggregate classification (germline): Uncertain significance (1 of 4 stars; one submission).

Conditions:
Hereditary cancer-predisposing syndrome. Also called: Neoplastic Syndromes, Hereditary; Tumor predisposition; Hereditary neoplastic syndrome; Hereditary Cancer Syndrome. Identifiers: Orphanet 140162, MedGen C0027672, MeSH D009386, MONDO:0015356.

Submission:

Ambry Genetics
Classification: Uncertain significance for Hereditary cancer-predisposing syndrome. Last evaluated: 2024-01-11. Review status: criteria provided, single submitter. Criteria: Ambry Variant Classification Scheme 2023. Collection method: clinical testing. Allele origin: germline.
Comment: The p.S1446T variant (also known as c.4336T>A), located in coding exon 23 of the PTCH1 gene, results from a T to A substitution at nucleotide position 4336. The serine at codon 1446 is replaced by threonine, an amino acid with similar properties. This amino acid position is conserved. In addition, this alteration is predicted to be tolerated by in silico analysis. Since supporting evidence is limited at this time, the clinical significance of this alteration remains unclear.